The following is an entry in ClinVar:

ClinVar aggregate classification (germline): Uncertain significance (1 of 4 stars; one submission).

Conditions:
Multiple congenital exostosis (EXT). Also called: Multiple osteochondromas; MULTIPLE CARTILAGINOUS EXOSTOSES; Hereditary multiple osteochondromas; Multiple exostoses; Hereditary multiple exostoses; Hereditary multiple exostosis. Identifiers: Orphanet 321, MedGen C0015306, MONDO:0005508, HP:0002762.

Allele frequency attached by ClinVar (database versions not stated): gnomAD exomes below 0.00001; TOPMed below 0.00001; gnomAD 0.00001.
gnomAD v4.1: 3 of 1,613,938 alleles (0.00019%); highest among the groups gnomAD compares: Non-Finnish European, 0.00025%; no homozygotes.

Submission:

Labcorp Genetics (formerly Invitae), Labcorp
Classification: Uncertain significance for Multiple congenital exostosis. Last evaluated: 2022-05-15. Review status: criteria provided, single submitter. Criteria: Invitae Variant Classification Sherloc (09022015). Collection method: clinical testing. Allele origin: germline.
Comment: This variant has not been reported in the literature in individuals affected with EXT1-related conditions. This variant is not present in population databases (gnomAD no frequency). This sequence change replaces arginine, which is basic and polar, with glycine, which is neutral and non-polar, at codon 394 of the EXT1 protein (p.Arg394Gly). Advanced modeling of protein sequence and biophysical properties (such as structural, functional, and spatial information, amino acid conservation, physicochemical variation, residue mobility, and thermodynamic stability) performed at Invitae indicates that this missense variant is expected to disrupt EXT1 protein function. In summary, the available evidence is currently insufficient to determine the role of this variant in disease. Therefore, it has been classified as a Variant of Uncertain Significance.

NM_000127.3(EXT1):c.1180A>G (p.Arg394Gly)

Gene: EXT1 (exostosin glycosyltransferase 1; minus strand). Cytogenetic location: 8q24.11.
Variant type: single nucleotide variant.
Coding change: c.1180A>G on transcript NM_000127.3 (MANE Select); coding-DNA position 1180, A replaced by G.
Protein change: p.Arg394Gly; replaces arginine 394 with glycine.
Molecular consequence: missense variant.
Genome position (GRCh38, 1-based): chr8:117,830,334, T>C on the plus strand (A>G on the coding strand, the complement: EXT1 is on the minus strand). VCF-style: chr8-117830334-T-C. GRCh37 (hg19) VCF-style: chr8-118842573-T-C.
Other names: short protein forms R394G.
Identifiers: ClinVar variation 1981582 (VCV001981582.4), dbSNP rs1014256212, ClinGen allele CA184291928.